The following is an entry in ClinVar:

NM_005228.5(EGFR):c.1000C>T (p.Arg334Cys)

Gene: EGFR (epidermal growth factor receptor; plus strand). Cytogenetic location: 7p11.2.
Variant type: single nucleotide variant.
Coding change: c.1000C>T on transcript NM_005228.5 (MANE Select); coding-DNA position 1000, C replaced by T.
Protein change: p.Arg334Cys; replaces arginine 334 with cysteine.
Molecular consequence: missense variant.
Genome position (GRCh38, 1-based): chr7:55,155,940, C>T. VCF-style: chr7-55155940-C-T. GRCh37 (hg19) VCF-style: chr7-55223633-C-T.
Other names: c.865C>T, p.Arg289Cys (NM_001346897.2, NM_001346899.2); c.1000C>T, p.Arg334Cys (NM_001346898.2, NM_201282.2, NM_201283.2 and 1 more transcripts); c.841C>T, p.Arg281Cys (NM_001346900.2); c.199C>T, p.Arg67Cys (NM_001346941.2); short protein forms R289C, R334C, R281C, R67C.
Identifiers: ClinVar variation 1940755 (VCV001940755.6), dbSNP rs2128937602, ClinGen allele CA367578157.

ClinVar aggregate classification (germline): Uncertain significance. Review status: criteria provided, multiple submitters, no conflicts (2 of 4 stars). 2 submissions from 2 submitters: Uncertain significance (2). Last evaluated 2025-10-29.

Conditions:
Hereditary cancer-predisposing syndrome. Also called: Tumor predisposition; Hereditary neoplastic syndrome; Neoplastic Syndromes, Hereditary; Hereditary Cancer Syndrome. Identifiers: Orphanet 140162, MedGen C0027672, MeSH D009386, MONDO:0015356.
EGFR-related lung cancer (EGFR). Identifiers: MedGen CN130014.

Allele frequency attached by ClinVar (database versions not stated): gnomAD exomes below 0.00001.

Submissions (2):

Ambry Genetics
Classification: Uncertain significance for Hereditary cancer-predisposing syndrome. Last evaluated: 2025-10-29. Review status: criteria provided, single submitter. Criteria: Ambry Variant Classification Scheme 2023. Collection method: clinical testing. Allele origin: germline.
Comment: The p.R334C variant (also known as c.1000C>T), located in coding exon 8 of the EGFR gene, results from a C to T substitution at nucleotide position 1000. The arginine at codon 334 is replaced by cysteine, an amino acid with highly dissimilar properties. This amino acid position is not well conserved in available vertebrate species. In addition, this alteration is predicted to be tolerated by in silico analysis. Based on the available evidence, the clinical significance of this variant remains unclear.

Labcorp Genetics (formerly Invitae), Labcorp
Classification: Uncertain significance for EGFR-related lung cancer. Last evaluated: 2025-10-01. Review status: criteria provided, single submitter. Criteria: Invitae Variant Classification Sherloc (09022015). Collection method: clinical testing. Allele origin: germline.
Comment: This sequence change replaces arginine, which is basic and polar, with cysteine, which is neutral and slightly polar, at codon 334 of the EGFR protein (p.Arg334Cys). This variant is not present in population databases (gnomAD no frequency). This variant has not been reported in the literature in individuals affected with EGFR-related conditions. ClinVar contains an entry for this variant (Variation ID: 1940755). Invitae Evidence Modeling of protein sequence and biophysical properties (such as structural, functional, and spatial information, amino acid conservation, physicochemical variation, residue mobility, and thermodynamic stability) has been performed for this missense variant. However, the output from this modeling did not meet the statistical confidence thresholds required to predict the impact of this variant on EGFR protein function. In summary, the available evidence is currently insufficient to determine the role of this variant in disease. Therefore, it has been classified as a Variant of Uncertain Significance.